The following is an entry in ClinVar:

NM_198576.4(AGRN):c.1890C>T (p.Pro630=)

Gene: AGRN (agrin; plus strand). Cytogenetic location: 1p36.33.
Variant type: single nucleotide variant.
Coding change: c.1890C>T on transcript NM_198576.4 (MANE Select); coding-DNA position 1890, C replaced by T.
Protein change: p.Pro630=; no amino-acid change (proline 630 retained).
Molecular consequence: synonymous variant.
Genome position (GRCh38, 1-based): chr1:1,043,914, C>T. VCF-style: chr1-1043914-C-T. GRCh37 (hg19) VCF-style: chr1-979294-C-T.
Other names: p.Pro630=; c.1890C>T, p.Pro630= (NM_001305275.2); c.1575C>T, p.Pro525= (NM_001364727.2).
Identifiers: ClinVar variation 541198 (VCV000541198.9), dbSNP rs779308593, ClinGen allele CA508372.

ClinVar aggregate classification (germline): Likely benign. Review status: criteria provided, multiple submitters, no conflicts (2 of 4 stars). 2 submissions from 2 submitters: Likely benign (2). Last evaluated 2025-06-22.

Conditions:
Congenital myasthenic syndrome 8. Also called: MYASTHENIC SYNDROME, CONGENITAL, DUE TO AGRIN DEFICIENCY; Myasthenic syndrome, congenital, 8, with pre- and postsynaptic defects. Identifiers: Orphanet 590, MedGen C3808739, MONDO:0014052, OMIM 615120.

Allele frequency attached by ClinVar (database versions not stated): gnomAD exomes 0.00002 and 0.00003; ExAC 0.00005; TOPMed 0.00010; gnomAD 0.00013 and 0.00016.
gnomAD v4.1: 42 of 1,609,746 alleles (0.0026%); highest among the groups gnomAD compares: African/African-American, 0.043%; no homozygotes.

Submissions (2):

Labcorp Genetics (formerly Invitae), Labcorp
Classification: Likely benign for Congenital myasthenic syndrome 8. Last evaluated: 2025-06-22. Review status: criteria provided, single submitter. Criteria: Invitae Variant Classification Sherloc (09022015). Collection method: clinical testing. Allele origin: germline.

Mayo Clinic Laboratories, Mayo Clinic
Classification: Likely benign. Last evaluated: 2025-01-28. Review status: criteria provided, single submitter. Criteria: ACMG Guidelines, 2015. Collection method: clinical testing. Allele origin: germline. Observed: 1 variant allele.
Comment: BP4, BP7